The following is an entry in ClinVar:

NM_014874.4(MFN2):c.700A>C (p.Met234Leu)

Gene: MFN2 (mitofusin 2; plus strand). Cytogenetic location: 1p36.22.
Variant type: single nucleotide variant.
Coding change: c.700A>C on transcript NM_014874.4 (MANE Select); coding-DNA position 700, A replaced by C.
Protein change: p.Met234Leu; replaces methionine 234 with leucine.
Molecular consequence: missense variant.
Genome position (GRCh38, 1-based): chr1:11,998,870, A>C. VCF-style: chr1-11998870-A-C. GRCh37 (hg19) VCF-style: chr1-12058927-A-C.
Other names: c.700A>C, p.Met234Leu (NM_001127660.2); short protein forms M234L.
Identifiers: ClinVar variation 1387970 (VCV001387970.6), dbSNP rs2100831955, ClinGen allele CA338438574.

ClinVar aggregate classification (germline): Uncertain significance (1 of 4 stars; one submission).

Conditions:
Charcot-Marie-Tooth disease type 2. Also called: Charcot-Marie-Tooth type 2. Identifiers: Orphanet 64746, MedGen C0270914, MONDO:0018993.

Submission:

Labcorp Genetics (formerly Invitae), Labcorp
Classification: Uncertain significance for Charcot-Marie-Tooth disease type 2. Last evaluated: 2022-01-28. Review status: criteria provided, single submitter. Criteria: Invitae Variant Classification Sherloc (09022015). Collection method: clinical testing. Allele origin: germline.
Comment: This sequence change replaces methionine, which is neutral and non-polar, with leucine, which is neutral and non-polar, at codon 234 of the MFN2 protein (p.Met234Leu). This variant is not present in population databases (gnomAD no frequency). This variant has not been reported in the literature in individuals affected with MFN2-related conditions. Algorithms developed to predict the effect of missense changes on protein structure and function (SIFT, PolyPhen-2, Align-GVGD) all suggest that this variant is likely to be tolerated. In summary, the available evidence is currently insufficient to determine the role of this variant in disease. Therefore, it has been classified as a Variant of Uncertain Significance.